The following is an entry in ClinVar:

NM_024589.3(ROGDI):c.584A>G (p.Asn195Ser)

Gene: ROGDI (rogdi atypical leucine zipper; minus strand). Cytogenetic location: 16p13.3.
Variant type: single nucleotide variant.
Coding change: c.584A>G on transcript NM_024589.3 (MANE Select); coding-DNA position 584, A replaced by G.
Protein change: p.Asn195Ser; replaces asparagine 195 with serine.
Molecular consequence: missense variant. On other transcripts: non-coding transcript variant (1).
Genome position (GRCh38, 1-based): chr16:4,798,132, T>C on the plus strand (A>G on the coding strand, the complement: ROGDI is on the minus strand). VCF-style: chr16-4798132-T-C. GRCh37 (hg19) VCF-style: chr16-4848133-T-C.
Other names: c.584A>G (NM_024589.1); short protein forms N195S.
Identifiers: ClinVar variation 575622 (VCV000575622.8), dbSNP rs201116642, ClinGen allele CA7882625.
Genomic context (GRCh38, chr16:4,798,132, plus strand): 5'-TTGGTGGAGTTGGGCTGCAGGGCATGCAGCTGGTACACCGTGAGGCAGAGCTTGTTGAGG[T>C]TGATGTAGACGTTGACCAGCAGGTCGGACGGCAGGGCAGGGGCGAACATCCGCTGCGGGA-3'
Protein context (NP_078865.1, residues 185-205): PSDLLVNVYI[Asn195Ser]LNKLCLTVYQ

ClinVar aggregate classification (germline): Uncertain significance. Review status: criteria provided, multiple submitters, no conflicts (2 of 4 stars). 3 submissions from 3 submitters: Uncertain significance (3). Last evaluated 2024-03-01.

Conditions:
Inborn genetic diseases. Identifiers: MedGen C0950123, MeSH D030342.
Amelocerebrohypohidrotic syndrome (KTZS). Also called: KOHLSCHUTTER SYNDROME; EPILEPSY AND YELLOW TEETH; EPILEPSY, DEMENTIA, AND AMELOGENESIS IMPERFECTA; Kohlschutter's syndrome. Identifiers: Orphanet 1946, MedGen C0406740, MONDO:0009185, OMIM 226750.

Allele frequency attached by ClinVar (database versions not stated): gnomAD 0.00006; TOPMed 0.00015.

Submissions (3):

Ambry Genetics
Classification: Uncertain significance for Inborn genetic diseases. Last evaluated: 2024-03-01. Review status: criteria provided, single submitter. Criteria: Ambry Variant Classification Scheme 2023. Collection method: clinical testing. Allele origin: germline.

Labcorp Genetics (formerly Invitae), Labcorp
Classification: Uncertain significance for Amelocerebrohypohidrotic syndrome. Last evaluated: 2022-10-28. Review status: criteria provided, single submitter. Criteria: Invitae Variant Classification Sherloc (09022015). Collection method: clinical testing. Allele origin: germline.
Comment: This sequence change replaces asparagine, which is neutral and polar, with serine, which is neutral and polar, at codon 195 of the ROGDI protein (p.Asn195Ser). This variant is present in population databases (rs201116642, gnomAD 0.03%). This variant has not been reported in the literature in individuals affected with ROGDI-related conditions. ClinVar contains an entry for this variant (Variation ID: 575622). Algorithms developed to predict the effect of missense changes on protein structure and function output the following: SIFT: "Tolerated"; PolyPhen-2: "Possibly Damaging"; Align-GVGD: "Class C0". The serine amino acid residue is found in multiple mammalian species, which suggests that this missense change does not adversely affect protein function. Algorithms developed to predict the effect of sequence changes on RNA splicing suggest that this variant may create or strengthen a splice site. In summary, the available evidence is currently insufficient to determine the role of this variant in disease. Therefore, it has been classified as a Variant of Uncertain Significance.

Athena Diagnostics
Classification: Uncertain significance. Last evaluated: 2019-03-06. Review status: criteria provided, single submitter. Criteria: Athena Diagnostics Criteria. Collection method: clinical testing. Allele origin: germline.